The following continues an entry in ClinVar:

NM_000038.6(APC):c.4072G>A (p.Ala1358Thr)

Gene: APC. ClinVar aggregate classification (germline): Conflicting classifications of pathogenicity. Uncertain significance (5); Likely benign (7).

Submissions 12 to 16 of 16:

GeneDx
Classification: Uncertain significance. Last evaluated: 2018-10-30. Review status: criteria provided, single submitter. Criteria: GeneDx Variant Classification (06012015). Collection method: clinical testing. Allele origin: germline. Affected: yes.
Comment: This variant is denoted APC c.4072G>A at the cDNA level, p.Ala1358Thr (A1358T) at the protein level, and results in the change of an Alanine to a Threonine (GCG>ACG). This variant has been observed in at least three individuals with colon cancer, in two pediatric patients with acute leukemia, and in individuals with breast or kidney cancer (Tung 2015, Zhang 2015, Raskin 2017, Yurgelun 2017, Yehia 2018). APC Ala1358Thr was observed at an allele frequency of 0.01% (18/126,066) in individuals of European ancestry in large population cohorts (Lek 2016). This variant is located in the 20-amino acid repeat beta-catenin down-regulating domain (Azzopardi 2008). In silico analysis, which includes protein predictors and evolutionary conservation, supports that this variant does not alter protein structure/function. Based on currently available evidence, it is unclear whether APC Ala1358Thr is a pathogenic or benign variant. We consider it to be a variant of uncertain significance.

Genetic Services Laboratory, University of Chicago
Classification: Uncertain significance. Last evaluated: 2022-05-18. Review status: no assertion criteria provided. Collection method: clinical testing. Allele origin: germline. Affected: no. Not counted in ClinVar's aggregate classification.
Comment: DNA sequence analysis of the APC gene demonstrated a sequence change, c.4072G>A, in exon 16 that results in an amino acid change, p.Ala1358Thr. This sequence change has been described in the gnomAD database with a frequency of 0.015557% in the non-Finnish European subpopulation (dbSNP rs139618756). The p.Ala1358Thr change affects a highly conserved amino acid residue located in a domain of the APC protein that is not known to be functional. In-silico pathogenicity prediction tools (SIFT, PolyPhen2, Align GVGD, REVEL) provide contradictory results for the p.Ala1358Thr substitution. This sequence change has been previously described in individuals with colorectal cancer, kidney cancer, and in individuals with a clinical suspicious of Lynch syndrome (PMID: 25980754, 28135145, 29684080, 29212164). Due to insufficient evidences and the lack of functional studies, the clinical significance of the p.Ala1358Thr change remains unknown at this time.

Counsyl
Classification: Uncertain significance for Familial adenomatous polyposis 1. Last evaluated: 2016-02-09. Review status: no assertion criteria provided. Collection method: clinical testing. Allele origin: unknown. Not counted in ClinVar's aggregate classification.

Department of Pathology and Laboratory Medicine, Sinai Health System
Classification: Uncertain significance for Familial adenomatous polyposis 1. Review status: no assertion criteria provided. Collection method: clinical testing. Allele origin: unknown. Affected: yes. Observed: 1 variant allele. Study: The Canadian Open Genetics Repository (COGR). Not counted in ClinVar's aggregate classification.
Comment: The APC p.Ala1358Thr variant was identified in 5 of 11044 proband chromosomes (frequency: 0.0005) from individuals or families with Lynch syndrome, breast cancer, or colorectal cancer and was not identified in 2012 control chromosomes from healthy individuals (Raskin 2017,Tung 2015, Yurgelun 2015, Yurgelun 2017). The variant was also identified in dbSNP (ID: rs139618756) as "With Uncertain significance allele", ClinVar (classified as uncertain significance by Invitae, GeneDx, Ambry Genetics, and five other submitters), Cosmic (2x), and MutDB. The variant was not identified in COGR, LOVD 3.0, UMD-LSDB, or Zhejiang University databases. The variant was identified in control databases in 19 of 276468 chromosomes at a frequency of 0.00007 (Genome Aggregation Database Feb 27, 2017). The variant was observed in the following populations: European in 18 of 126066 chromosomes (freq: 0.0001) and Latino in 1 of 34394 chromosomes (freq: 0.00003); it was not observed in the African, Other, Ashkenazi Jewish, East Asian, Finnish, or South Asian populations. The p.Ala1358 residue is conserved in mammals and computational analyses (PolyPhen-2, SIFT, AlignGVGD, BLOSUM, MutationTaster) provide inconsistent predictions regarding the impact to the protein; this information is not very predictive of pathogenicity. The variant occurs outside of the splicing consensus sequence and in silico or computational prediction software programs (SpliceSiteFinder, MaxEntScan, NNSPLICE, GeneSplicer) do not predict a difference in splicing. In summary, based on the above information, the clinical significance of this variant cannot be determined with certainty at this time. This variant is classified as a variant of uncertain significance.

Mayo Clinic Laboratories, Mayo Clinic
Classification: Uncertain significance. Review status: no assertion criteria provided. Collection method: clinical testing. Allele origin: unknown. Not counted in ClinVar's aggregate classification.

Literature cited by the submitters: PubMed 25980754 (cited by 7 submitters); PubMed 25148578 (cited by 3 submitters); PubMed 25256751 (cited by Women's Health and Genetics/Laboratory Corporation of America, LabCorp); PubMed 25186627 (cited by 3 submitters); PubMed 26643872 (cited by Women's Health and Genetics/Laboratory Corporation of America, LabCorp); PubMed 28135145 (cited by 5 submitters); PubMed 26580448 (cited by Women's Health and Genetics/Laboratory Corporation of America, LabCorp); PubMed 29212164 (cited by 6 submitters); PubMed 29723602 (cited by 3 submitters); PubMed 31547467 (cited by Women's Health and Genetics/Laboratory Corporation of America, LabCorp and Quest Diagnostics Nichols Institute San Juan Capistrano); PubMed 32255556 (cited by Women's Health and Genetics/Laboratory Corporation of America, LabCorp and Quest Diagnostics Nichols Institute San Juan Capistrano); PubMed 29681454 (cited by Women's Health and Genetics/Laboratory Corporation of America, LabCorp); PubMed 35430768 (cited by Women's Health and Genetics/Laboratory Corporation of America, LabCorp); PubMed 31209238 (cited by Women's Health and Genetics/Laboratory Corporation of America, LabCorp); PubMed 28377483 (cited by Women's Health and Genetics/Laboratory Corporation of America, LabCorp); PubMed 28092266 (cited by Women's Health and Genetics/Laboratory Corporation of America, LabCorp); PubMed 38332908 (cited by Women's Health and Genetics/Laboratory Corporation of America, LabCorp); PubMed 34072712 (cited by Women's Health and Genetics/Laboratory Corporation of America, LabCorp); PubMed 30267214 (cited by Quest Diagnostics Nichols Institute San Juan Capistrano); PubMed 31133068 (cited by Quest Diagnostics Nichols Institute San Juan Capistrano); PubMed 29684080 (cited by Color Diagnostics, LLC DBA Color Health).